The following is an entry in ClinVar:

ClinVar aggregate classification (germline): Uncertain significance. Review status: criteria provided, multiple submitters, no conflicts (2 of 4 stars). 3 submissions from 3 submitters: Uncertain significance (2). 1 of the submissions does not count toward it. Last evaluated 2025-08-01.

Conditions:
LTBP3-related disorder. Also called: LTBP3-related condition.
Inborn genetic diseases. Identifiers: MedGen C0950123, MeSH D030342.
Brachyolmia-amelogenesis imperfecta syndrome. Also called: Tooth agenesis, selective, 6; Dental anomalies and short stature; PLATYSPONDYLY WITH AMELOGENESIS IMPERFECTA. Identifiers: Orphanet 2899, MedGen C1832594, MONDO:0011018, OMIM 601216. Disease mechanism: loss of function.

Allele frequency attached by ClinVar (database versions not stated): gnomAD exomes 0.00001; TOPMed 0.00001.
gnomAD v4.1: 8 of 1,573,232 alleles (0.00051%); highest among the groups gnomAD compares: Non-Finnish European, 0.00069%; no homozygotes.

Submissions (3):

Labcorp Genetics (formerly Invitae), Labcorp
Classification: Uncertain significance for Brachyolmia-amelogenesis imperfecta syndrome. Last evaluated: 2025-08-01. Review status: criteria provided, single submitter. Criteria: Invitae Variant Classification Sherloc (09022015). Collection method: clinical testing. Allele origin: germline.
Comment: This sequence change replaces histidine, which is basic and polar, with glutamine, which is neutral and polar, at codon 267 of the LTBP3 protein (p.His267Gln). The frequency data for this variant in the population databases is considered unreliable, as metrics indicate poor data quality at this position in the gnomAD database. This variant has not been reported in the literature in individuals affected with LTBP3-related conditions. ClinVar contains an entry for this variant (Variation ID: 3233187). An algorithm developed to predict the effect of missense changes on protein structure and function (PolyPhen-2) suggests that this variant is likely to be disruptive. In summary, the available evidence is currently insufficient to determine the role of this variant in disease. Therefore, it has been classified as a Variant of Uncertain Significance.

Ambry Genetics
Classification: Uncertain significance for Inborn genetic diseases. Last evaluated: 2023-11-06. Review status: criteria provided, single submitter. Criteria: Ambry Variant Classification Scheme 2023. Collection method: clinical testing. Allele origin: germline.
Comment: The p.H267Q variant (also known as c.801C>A), located in coding exon 3 of the LTBP3 gene, results from a C to A substitution at nucleotide position 801. The histidine at codon 267 is replaced by glutamine, an amino acid with highly similar properties. This amino acid position is conserved. In addition, the in silico prediction for this alteration is inconclusive. Since supporting evidence is limited at this time, the clinical significance of this alteration remains unclear.

PreventionGenetics, part of Exact Sciences
Classification: Uncertain significance for LTBP3-related condition. Last evaluated: 2024-06-04. Review status: no assertion criteria provided. Collection method: clinical testing. Allele origin: germline. Not counted in ClinVar's aggregate classification.
Comment: The LTBP3 c.801C>A variant is predicted to result in the amino acid substitution p.His267Gln. To our knowledge, this variant has not been reported in the literature. This variant is reported in 0.0021% of alleles in individuals of European (Non-Finnish) descent in gnomAD. At this time, the clinical significance of this variant is uncertain due to the absence of conclusive functional and genetic evidence.

NM_001130144.3(LTBP3):c.801C>A (p.His267Gln)

Gene: LTBP3 (latent transforming growth factor beta binding protein 3; minus strand). Cytogenetic location: 11q13.1.
Variant type: single nucleotide variant.
Coding change: c.801C>A on transcript NM_001130144.3 (MANE Select); coding-DNA position 801, C replaced by A.
Protein change: p.His267Gln; replaces histidine 267 with glutamine.
Molecular consequence: missense variant.
Genome position (GRCh38, 1-based): chr11:65,553,764, G>T on the plus strand (C>A on the coding strand, the complement: LTBP3 is on the minus strand). VCF-style: chr11-65553764-G-T. GRCh37 (hg19) VCF-style: chr11-65321235-G-T.
Other names: c.450C>A, p.His150Gln (NM_001164266.1); c.801C>A, p.His267Gln (NM_021070.4); short protein forms H150Q, H267Q.
Identifiers: ClinVar variation 3233187 (VCV003233187.4), dbSNP rs903394719, ClinGen allele CA223969778.